The following is an entry in ClinVar:

ClinVar aggregate classification (germline): Uncertain significance (1 of 4 stars; one submission).

gnomAD v4.1: 2 of 1,613,420 alleles (0.00012%); highest among the groups gnomAD compares: African/African-American, 0.0027%; no homozygotes.

Submission:

GeneDx
Classification: Uncertain significance. Last evaluated: 2024-12-04. Review status: criteria provided, single submitter. Criteria: GeneDx Variant Classification Process June 2021. Collection method: clinical testing. Allele origin: germline. Affected: yes.
Comment: Not observed at significant frequency in large population cohorts (gnomAD); In silico analysis indicates that this missense variant does not alter protein structure/function; Has not been previously published as pathogenic or benign to our knowledge

NM_001256545.2(MEGF10):c.3392G>T (p.Ser1131Ile)

Gene: MEGF10 (multiple EGF like domains 10; plus strand). Cytogenetic location: 5q23.2.
Variant type: single nucleotide variant.
Coding change: c.3392G>T on transcript NM_001256545.2 (MANE Select); coding-DNA position 3392, G replaced by T.
Protein change: p.Ser1131Ile; replaces serine 1131 with isoleucine.
Molecular consequence: missense variant.
Genome position (GRCh38, 1-based): chr5:127,457,287, G>T. VCF-style: chr5-127457287-G-T. GRCh37 (hg19) VCF-style: chr5-126792979-G-T.
Other names: c.3392G>T, p.Ser1131Ile (NM_032446.3); short protein forms S1131I.
Identifiers: ClinVar variation 3901660 (VCV003901660.1).
Genomic context (GRCh38, chr5:127,457,287, plus strand): 5'-ATGACCTGCTGCCAGTCCGAGACAGTTCATCCTCCCCTAAGCAAGAGGACAGTGGTGGTA[G>T]CAGCAGCAACAGCAGCAGCAGCAGTGAATGACACCAAAGGACCGCTTGGTAGCCACTGGA-3'
Protein context (NP_001243474.1, residues 1121-1140): SSPKQEDSGG[Ser1131Ile]SSNSSSSSE